The following is an entry in ClinVar:

NM_001110556.2(FLNA):c.7612_7613del (p.Leu2538fs)

Genes: FLNA (filamin A; minus strand), LOC107988032 (Xq28 proximal FLNA-EMD recombination region; plus strand). Cytogenetic location: Xq28.
Variant type: Microsatellite.
Coding change: c.7612_7613del on transcript NM_001110556.2 (MANE Select); coding-DNA positions 7612 to 7613, 2 bases deleted (CT; older notation c.7612_7613delCT).
Protein change: p.Leu2538fs; shifts the reading frame from leucine 2538.
Molecular consequence: frameshift variant.
Genome position (GRCh38, 1-based): chrX:154,349,505-154,349,506, AG deleted on the plus strand (CT on the coding strand, the reverse complement: FLNA is on the minus strand); deleting any 2 consecutive bases within chrX:154,349,505-154,349,510 gives the same sequence; the c. name uses the placement nearest the transcript's 3' end. VCF-style (leftmost placement, unchanged base first): chrX-154349504-CAG-C. GRCh37 (hg19) VCF-style: chrX-153577872-CAG-C.
Other names: c.7588_7589del, p.Leu2530fs (NM_001456.4); short protein forms L2530fs, L2538fs.
Identifiers: ClinVar variation 938503 (VCV000938503.10), dbSNP rs2067602034, ClinGen allele CA2466651607.

ClinVar aggregate classification (germline): Pathogenic (1 of 4 stars; one submission).

Conditions:
Frontometaphyseal dysplasia (FMD1). Identifiers: Orphanet 1826, MedGen C0265293, MONDO:0015942.
Heterotopia, periventricular, X-linked dominant (PVNH1). Also called: PERIVENTRICULAR NODULAR HETEROTOPIA 1; X-linked periventricular heterotopia; PERIVENTRICULAR NODULAR HETEROTOPIA 4; HETEROTOPIA, PERIVENTRICULAR, 1. Identifiers: Orphanet 2149, Orphanet 82004, MedGen C1848213, MONDO:0010233, OMIM 300049.
Melnick-Needles syndrome (MNS). Also called: MELNICK-NEEDLES OSTEODYSPLASTY; OSTEODYSPLASTY OF MELNICK AND NEEDLES; Melnick-Needles Syndrome (FLNA-MNS). Identifiers: Orphanet 2484, MedGen C0025237, MONDO:0010650, OMIM 309350.
Oto-palato-digital syndrome, type II (OPD2). Also called: OPD II SYNDROME; FACIOPALATOOSSEOUS SYNDROME; Otopalatodigital Syndrome Type 2 (FLNA-OPD2); Otopalatodigital Syndrome, Type II. Identifiers: Orphanet 669, Orphanet 90652, MedGen C1844696, MONDO:0010571, OMIM 304120.

Submission:

Labcorp Genetics (formerly Invitae), Labcorp
Classification: Pathogenic for Oto-palato-digital syndrome, type II; Heterotopia, periventricular, X-linked dominant; Frontometaphyseal dysplasia; Melnick-Needles syndrome. Last evaluated: 2025-03-29. Review status: criteria provided, single submitter. Criteria: Invitae Variant Classification Sherloc (09022015). Collection method: clinical testing. Allele origin: germline.
Comment: This sequence change creates a premature translational stop signal (p.Leu2530Aspfs*18) in the FLNA gene. It is expected to result in an absent or disrupted protein product. Loss-of-function variants in FLNA are known to be pathogenic (PMID: 16684786, 20730588, 26471271). This variant is not present in population databases (gnomAD no frequency). This premature translational stop signal has been observed in individuals with periventricular heterotopia (PMID: 25686753). This variant is also known as c.7612delCT. ClinVar contains an entry for this variant (Variation ID: 938503). For these reasons, this variant has been classified as Pathogenic.

Literature cited by the submitters: PubMed 16684786; PubMed 20730588; PubMed 26471271; PubMed 25686753.